The following is an entry in ClinVar:

ClinVar aggregate classification (germline): Uncertain significance (1 of 4 stars; one submission).

Submission:

GeneDx
Classification: Uncertain significance. Last evaluated: 2018-03-19. Review status: criteria provided, single submitter. Criteria: GeneDx Variant Classification (06012015). Collection method: clinical testing. Allele origin: germline. Affected: yes.
Comment: A variant of uncertain significance has been identified in the NEBL gene. The c.348dupA variant has not been published as pathogenic or been reported as benign to our knowledge. This variant is not observed in large population cohorts (Lek et al., 2016). The c.348dupA variant causes a shift in reading frame starting at codon valine 117, changing it to a serine, and creating a premature stop codon at position 7 of the new reading frame, denoted p.Val117SerfsX7. This variant is expected to result in either an abnormal, truncated protein product or loss of protein from this allele through nonsense-mediated mRNA decay. However, no truncating variants in the NEBL gene have been reported in Human Gene Mutation Database in association with cardiomyopathy (Stenson et al., 2014), and haploinsufficiency is not an established disease mechanism for the NEBL gene.

NM_006393.3(NEBL):c.348dup (p.Val117fs)

Gene: NEBL (nebulette; minus strand). Cytogenetic location: 10p12.31.
Variant type: Duplication.
Coding change: c.348dup on transcript NM_006393.3 (MANE Select); coding-DNA position 348, one base duplicated (A; older notation c.348dupA).
Protein change: p.Val117fs; shifts the reading frame from valine 117.
Molecular consequence: frameshift variant. On other transcripts: intron variant (9).
Genome position (GRCh38, 1-based): chr10:20,888,118, T duplicated on the plus strand (A on the coding strand, the reverse complement: NEBL is on the minus strand); the first of 2 consecutive T bases (chr10:20,888,118-20,888,119); duplicating either gives the same sequence. VCF-style (leftmost placement, unchanged base first): chr10-20888117-C-CT. GRCh37 (hg19) VCF-style: chr10-21177046-C-CT.
Other names: c.348dupA (NM_006393.2); c.249+73554dup (NM_001377326.1, NM_001377327.1, NM_001377328.1); c.357+73554dup (NM_213569.2, NM_001173484.2, NM_001377322.1); c.300+73554dup (NM_001377324.1); c.291+73554dup (NM_001377325.1); c.309+73554dup (NM_001377323.1); short protein forms V117fs.
Identifiers: ClinVar variation 523991 (VCV000523991.2), dbSNP rs1356025751, ClinGen allele CA658797404.
Genomic context (GRCh38, chr10:20,888,117, plus strand): 5'-TTTATCTACAAAATCATGAAACACTTTAGAAAAACCCTACCTCACTCTGGAGCTGTGTAA[C>CT]TTCTCCTGCAAAAACACTGTCAATTGTGGCTGGCATCCGCTTATAAAGAGAATTAGAAAG-3'